The following is an entry in ClinVar:

NM_025179.4(PLXNA2):c.3941A>T (p.Tyr1314Phe)

Gene: PLXNA2 (plexin A2; minus strand). Cytogenetic location: 1q32.2.
Variant type: single nucleotide variant.
Coding change: c.3941A>T on transcript NM_025179.4 (MANE Select); coding-DNA position 3941, A replaced by T.
Protein change: p.Tyr1314Phe; replaces tyrosine 1314 with phenylalanine.
Molecular consequence: missense variant.
Genome position (GRCh38, 1-based): chr1:208,043,137, T>A on the plus strand (A>T on the coding strand, the complement: PLXNA2 is on the minus strand). VCF-style: chr1-208043137-T-A. GRCh37 (hg19) VCF-style: chr1-208216482-T-A.
Other names: short protein forms Y1314F.
Identifiers: ClinVar variation 5001384 (VCV005001384.1).

ClinVar aggregate classification (germline): Uncertain significance (1 of 4 stars; one submission).

Conditions:
PLXNA2-related disorder. Also called: PLXNA2-related condition.

Submission:

PreventionGenetics, part of Exact Sciences
Classification: Uncertain significance for PLXNA2-related condition. Last evaluated: 2024-10-14. Review status: criteria provided, single submitter. Criteria: ACMG Guidelines, 2015. Collection method: clinical testing. Allele origin: germline.
Comment: The PLXNA2 c.3941A>T variant is predicted to result in the amino acid substitution p.Tyr1314Phe. To our knowledge, this variant has not been reported in the literature or in a large population database (gnomAD), indicating this variant is rare. At this time, the clinical significance of this variant is uncertain due to the absence of conclusive functional and genetic evidence.